The following is an entry in ClinVar:

ClinVar aggregate classification (germline): Benign. Review status: criteria provided, multiple submitters, no conflicts (2 of 4 stars). 12 submissions from 12 submitters: Benign (9). 3 of the submissions do not count toward it. Last evaluated 2026-02-04.

Conditions:
Neuropathy, hereditary sensory and autonomic, type 2A (HSAN2A). Also called: ACROOSTEOLYSIS, GIACCAI TYPE; ACROOSTEOLYSIS, NEUROGENIC; WNK1-Related HSAN2 (HSAN2A); HSAN IIA; MORVAN DISEASE; NEUROPATHY, CONGENITAL SENSORY. Identifiers: Orphanet 970, MedGen C2752089, MONDO:0024309, OMIM 201300.
Pseudohypoaldosteronism type 2C (PHA2C). Also called: Pseudohypoaldosteronism Type IIC. Identifiers: Orphanet 757, Orphanet 88940, MedGen C1840391, MONDO:0013778, OMIM 614492.

Allele frequency attached by ClinVar (database versions not stated): ESP Exome Variant Server 0.98608; 1000 Genomes Project 30x 0.98641; 1000 Genomes Project 0.98682; TOPMed 0.98700; gnomAD 0.98791 and 0.98859; ExAC 0.99634; gnomAD exomes 0.99689 and 0.99876.
gnomAD v4.1: 1,610,564 of 1,614,172 alleles (100%); highest among the groups gnomAD compares: East Asian, 100%; 803,547 homozygotes.

Submissions (12):

Labcorp Genetics (formerly Invitae), Labcorp
Classification: Benign for Neuropathy, hereditary sensory and autonomic, type 2A; Pseudohypoaldosteronism type 2C. Last evaluated: 2026-02-04. Review status: criteria provided, single submitter. Criteria: Invitae Variant Classification Sherloc (09022015). Collection method: clinical testing. Allele origin: germline.

Athena Diagnostics
Classification: Benign. Last evaluated: 2025-06-20. Review status: criteria provided, single submitter. Criteria: Athena Diagnostics Criteria. Collection method: clinical testing. Allele origin: unknown.
Comment: The frequency of this variant in the general population is higher than would generally be expected for pathogenic variants in this gene.

Blueprint Genetics
Classification: Benign. Last evaluated: 2024-11-27. Review status: criteria provided, single submitter. Criteria: ACMG Guidelines, 2015. Collection method: clinical testing. Allele origin: germline.

Mayo Clinic Laboratories, Mayo Clinic
Classification: Benign. Last evaluated: 2022-03-09. Review status: criteria provided, single submitter. Criteria: ACMG Guidelines, 2015. Collection method: clinical testing. Allele origin: germline. Observed: 2,309 variant alleles.

Genome-Nilou Lab
Classification: Benign for Neuropathy, hereditary sensory and autonomic, type 2A. Last evaluated: 2021-07-14. Review status: criteria provided, single submitter. Criteria: ACMG Guidelines, 2015. Collection method: clinical testing. Allele origin: germline. Affected: no.

Illumina Laboratory Services, Illumina
Classification: Benign for Pseudohypoaldosteronism type 2C. Last evaluated: 2018-01-13. Review status: criteria provided, single submitter. Criteria: ICSL Variant Classification Criteria 13 December 2019. Collection method: clinical testing. Allele origin: germline.
Comment: This variant was observed in the ICSL laboratory as part of a predisposition screen in an ostensibly healthy population. It had not been previously curated by ICSL or reported in the Human Gene Mutation Database (HGMD: prior to June 1st, 2018), and was therefore a candidate for classification through an automated scoring system. Utilizing variant allele frequency, disease prevalence and penetrance estimates, and inheritance mode, an automated score was calculated to assess if this variant is too frequent to cause the disease. Based on the score and internal cut-off values, a variant classified as benign is not then subjected to further curation. The score for this variant resulted in a classification of benign for this disease.

GeneDx
Classification: Benign. Last evaluated: 2015-03-03. Review status: criteria provided, single submitter. Criteria: GeneDx Variant Classification Process June 2021. Collection method: clinical testing. Allele origin: germline. Affected: yes.

Breakthrough Genomics
Classification: Benign. Review status: criteria provided, single submitter. Criteria: ACMG Guidelines, 2015. Collection method: not provided. Allele origin: germline. Inheritance: Autosomal recessive inheritance. Affected: yes.

PreventionGenetics, part of Exact Sciences
Classification: Benign. Review status: criteria provided, single submitter. Criteria: ACMG Guidelines, 2015. Collection method: clinical testing. Allele origin: germline.

Clinical Genetics, Academic Medical Center
Classification: Benign. Review status: no assertion criteria provided. Collection method: clinical testing. Allele origin: germline. Affected: yes. Study: VKGL Data-share Consensus. Not counted in ClinVar's aggregate classification.

Diagnostic Laboratory, Department of Genetics, University Medical Center Groningen
Classification: Benign. Review status: no assertion criteria provided. Collection method: clinical testing. Allele origin: germline. Affected: yes. Study: VKGL Data-share Consensus. Not counted in ClinVar's aggregate classification.

Joint Genome Diagnostic Labs from Nijmegen and Maastricht, Radboudumc and MUMC+
Classification: Benign. Review status: no assertion criteria provided. Collection method: clinical testing. Allele origin: germline. Affected: yes. Study: VKGL Data-share Consensus. Not counted in ClinVar's aggregate classification.

NM_018979.4(WNK1):c.4517G>C (p.Cys1506Ser)

Gene: WNK1 (WNK lysine deficient protein kinase 1; plus strand). Cytogenetic location: 12p13.33.
Variant type: single nucleotide variant.
Coding change: c.4517G>C on transcript NM_018979.4 (MANE Select); coding-DNA position 4517, G replaced by C.
Protein change: p.Cys1506Ser; replaces cysteine 1506 with serine.
Molecular consequence: missense variant.
Genome position (GRCh38, 1-based): chr12:885,321, G>C. VCF-style: chr12-885321-G-C. GRCh37 (hg19) VCF-style: chr12-994487-G-C.
Other names: c.5297G>C, p.Cys1766Ser (NM_001184985.2); c.3776G>C, p.Cys1259Ser (NM_014823.3); c.5273G>C, p.Cys1758Ser (NM_213655.5); short protein forms C1506S, C1758S, C1766S, C1259S.
Identifiers: ClinVar variation 261072 (VCV000261072.29), dbSNP rs7955371, ClinGen allele CA6382988.